The following is an entry in ClinVar:

NM_004380.3(CREBBP):c.7063C>T (p.Gln2355Ter)

Gene: CREBBP (CREB binding protein; minus strand). Cytogenetic location: 16p13.3.
Variant type: single nucleotide variant.
Coding change: c.7063C>T on transcript NM_004380.3 (MANE Select); coding-DNA position 7063, C replaced by T.
Protein change: p.Gln2355Ter; replaces glutamine 2355 with a stop codon.
Molecular consequence: nonsense.
Genome position (GRCh38, 1-based): chr16:3,727,984, G>A on the plus strand (C>T on the coding strand, the complement: CREBBP is on the minus strand). VCF-style: chr16-3727984-G-A. GRCh37 (hg19) VCF-style: chr16-3777985-G-A.
Other names: c.6949C>T, p.Gln2317Ter (NM_001079846.1); short protein forms Q2355*, Q2317*.
Identifiers: ClinVar variation 523877 (VCV000523877.2), dbSNP rs1179308620, ClinGen allele CA394550637.

ClinVar aggregate classification (germline): Uncertain significance (1 of 4 stars; one submission).

Submission:

GeneDx
Classification: Uncertain significance. Last evaluated: 2018-04-13. Review status: criteria provided, single submitter. Criteria: GeneDx Variant Classification (06012015). Collection method: clinical testing. Allele origin: germline. Affected: yes.
Comment: The Q2355X variant has not been published as a pathogenic variant, nor has it been reported as a benign variant to our knowledge. This variant is predicted to cause loss of normal protein function through protein truncation as the last 88 amino acids of the CREBBP protein are lost. The Q2355X variant is not observed in large population cohorts (Lek et al., 2016). Based on the currently available information, it is unclear whether this variant is a pathogenic variant or a rare benign variant.